The following is an entry in ClinVar:

ClinVar aggregate classification (germline): Likely benign (1 of 4 stars; one submission).

Conditions:
Loeys-Dietz syndrome 2 (LDS2). Also called: TGFBR2-Related Loeys-Dietz Syndrome; AORTIC ANEURYSM, FAMILIAL THORACIC 3; MARFAN SYNDROME, TYPE II; Marfan syndrome, type 2 (formerly); Marfan Syndrome type 2; Marfan like connective tissue disorder. Identifiers: Orphanet 284973, Orphanet 558, MedGen C2674574, MONDO:0012427, OMIM 610168.

Submission:

All of Us Research Program, National Institutes of Health
Classification: Likely benign for Loeys-Dietz syndrome 2. Last evaluated: 2023-11-02. Review status: criteria provided, single submitter. Criteria: ACMG Guidelines, 2015. Collection method: clinical testing. Allele origin: germline. Inheritance: Autosomal dominant inheritance. Observed: 1 variant allele, 1 heterozygote.
Comment: This study involves interpretation of variants in research participants for the purpose of population health screening. Participant phenotype was not available at the time of variant classification. Additional details can be found in publication PMID: 35346344, PMCID: PMC8962531

NM_003242.6(TGFBR2):c.387T>G (p.Pro129=)

Gene: TGFBR2 (transforming growth factor beta receptor 2; plus strand). Cytogenetic location: 3p24.1.
Variant type: single nucleotide variant.
Coding change: c.387T>G on transcript NM_003242.6 (MANE Select); coding-DNA position 387, T replaced by G.
Protein change: p.Pro129=; no amino-acid change (proline 129 retained).
Molecular consequence: synonymous variant. On other transcripts: intron variant (2).
Genome position (GRCh38, 1-based): chr3:30,650,393, T>G. VCF-style: chr3-30650393-T-G. GRCh37 (hg19) VCF-style: chr3-30691885-T-G.
Other names: c.462T>G, p.Pro154= (NM_001024847.3, NM_001407126.1, NM_001407139.1); c.387T>G, p.Pro129= (NM_001407127.1, NM_001407130.1); c.414T>G, p.Pro138= (NM_001407128.1); c.282T>G, p.Pro94= (NM_001407129.1, NM_001407132.1, NM_001407133.1 and 3 more transcripts); c.170-21245T>G (NM_001407137.1); c.95-21245T>G (NM_001407138.1).
Identifiers: ClinVar variation 3074315 (VCV003074315.1), dbSNP rs1414240560, ClinGen allele CA432917446.